The following is an entry in ClinVar:

ClinVar aggregate classification (germline): Uncertain significance (1 of 4 stars; one submission).

Conditions:
Ullrich congenital muscular dystrophy 2 (UCMD2). Identifiers: Orphanet 75840, MedGen C4225314, MONDO:0014654, OMIM 616470.
Bethlem myopathy 2 (BTHLM2). Identifiers: Orphanet 536516, Orphanet 610, MedGen C4225313, MONDO:0034022, OMIM 616471.

Submission:

Labcorp Genetics (formerly Invitae), Labcorp
Classification: Uncertain significance for Bethlem myopathy 2; Ullrich congenital muscular dystrophy 2. Last evaluated: 2023-05-21. Review status: criteria provided, single submitter. Criteria: Invitae Variant Classification Sherloc (09022015). Collection method: clinical testing. Allele origin: unknown.
Comment: This variant results in a copy number gain of the genomic region encompassing exon(s) 14 of the COL12A1 gene. While the exact position of this variant cannot be determined from the data, sub-genic copy number gains are generally in tandem (PMID: 25640679). This variant is predicted to be in-frame, and likely preserves the integrity of the reading frame. This variant has not been reported in the literature in individuals affected with COL12A1-related conditions. Experimental studies and prediction algorithms are not available or were not evaluated, and the functional significance of this variant is currently unknown. In summary, the available evidence is currently insufficient to determine the role of this variant in disease. Therefore, it has been classified as a Variant of Uncertain Significance.

Literature cited by the submitters: PubMed 25640679.

NC_000006.11:g.(?_75875203)_(75875515_?)dup

Gene: COL12A1 (collagen type XII alpha 1 chain; minus strand). Cytogenetic location: 6q13.
Variant type: Duplication.
Identifiers: ClinVar variation 3246042 (VCV003246042.1).